The following is an entry in ClinVar:

ClinVar aggregate classification (germline): Uncertain significance (1 of 4 stars; one submission).

Submission:

Women's Health and Genetics/Laboratory Corporation of America, LabCorp
Classification: Uncertain significance. Last evaluated: 2025-09-22. Review status: criteria provided, single submitter. Criteria: LabCorp Variant Classification Summary - May 2015. Collection method: clinical testing. Allele origin: germline.
Comment: Variant summary: The variant involves the duplication of exons 1-19 in the RPGR gene. A presumed nomenclature of c.(?_-143)_(*464_?)dup has been designated for the purposes of this classification. The variant was absent in 16120 control chromosomes. The available data on variant occurrences in the general population are insufficient to allow any conclusion about variant significance. To our knowledge, no occurrence of c.(?_-143)_(*464_?)dup in individuals affected with RPGR-related conditions and no experimental evidence demonstrating its impact on protein function have been reported. This duplication includes the entire coding sequence of the gene. As exact breakpoints are unknown, it may extend beyond the annotated region of the gene, to include other flanking genes. No submitters have cited clinical-significance assessments for this variant to ClinVar. Based on the evidence outlined above, the variant was classified as uncertain significance.

NC_000023.10:g.(?_38128415)_(38186763_?)dup

Gene: RPGR (retinitis pigmentosa GTPase regulator; minus strand). Cytogenetic location: Xp11.4.
Variant type: Duplication.
Identifiers: ClinVar variation 4536076 (VCV004536076.1).